The following is an entry in ClinVar:

ClinVar aggregate classification (germline): Uncertain significance. Review status: criteria provided, single submitter (1 of 4 stars). 2 submissions from 2 submitters: Uncertain significance (1). 1 of the submissions does not count toward it. Last evaluated 2022-03-14.

Conditions:
Amyotrophic lateral sclerosis type 23. Identifiers: MedGen C4693381, MONDO:0027694, OMIM 617839.

gnomAD v4.1: 2 of 1,546,966 alleles (0.00013%); highest among the groups gnomAD compares: Non-Finnish European, 0.00017%; no homozygotes.

Submissions (2):

Labcorp Genetics (formerly Invitae), Labcorp
Classification: Uncertain significance. Last evaluated: 2022-03-14. Review status: criteria provided, single submitter. Criteria: Invitae Variant Classification Sherloc (09022015). Collection method: clinical testing. Allele origin: germline.
Comment: ClinVar contains an entry for this variant (Variation ID: 488355). Algorithms developed to predict the effect of missense changes on protein structure and function are either unavailable or do not agree on the potential impact of this missense change (SIFT: "Tolerated"; PolyPhen-2: "Probably Damaging"; Align-GVGD: "Class C0"). In summary, the available evidence is currently insufficient to determine the role of this variant in disease. Therefore, it has been classified as a Variant of Uncertain Significance. This sequence change replaces glycine, which is neutral and non-polar, with arginine, which is basic and polar, at codon 175 of the ANXA11 protein (p.Gly175Arg). This variant is not present in population databases (gnomAD no frequency). This missense change has been observed in individual(s) with amyotrophic lateral sclerosis (PMID: 28469040).

OMIM
Classification: Pathogenic for AMYOTROPHIC LATERAL SCLEROSIS 23. Last evaluated: 2018-01-29. Review status: no assertion criteria provided. Collection method: literature only. Allele origin: germline. Not counted in ClinVar's aggregate classification.

Literature cited by the submitters: PubMed 28469040 (cited by Labcorp Genetics (formerly Invitae), Labcorp and OMIM).

NM_145868.2(ANXA11):c.523G>A (p.Gly175Arg)

Gene: ANXA11 (annexin A11; minus strand). Cytogenetic location: 10q22.3.
Variant type: single nucleotide variant.
Coding change: c.523G>A on transcript NM_145868.2 (MANE Select); coding-DNA position 523, G replaced by A.
Protein change: p.Gly175Arg; replaces glycine 175 with arginine.
Molecular consequence: missense variant.
Genome position (GRCh38, 1-based): chr10:80,169,007, C>T on the plus strand (G>A on the coding strand, the complement: ANXA11 is on the minus strand). VCF-style: chr10-80169007-C-T. GRCh37 (hg19) VCF-style: chr10-81928763-C-T.
Other names: c.523G>A, p.Gly175Arg (NM_001157.3, NM_001278407.2, NM_001278408.2 and 1 more transcripts); c.424G>A, p.Gly142Arg (NM_001278409.2); short protein forms G175R, G142R.
Identifiers: ClinVar variation 488355 (VCV000488355.5), dbSNP rs754594235, ClinGen allele CA210332498.